The following is an entry in ClinVar:

ClinVar aggregate classification (germline): Conflicting classifications of pathogenicity. Review status: criteria provided, conflicting classifications (1 of 4 stars). 11 submissions from 11 submitters: Uncertain significance (3); Benign (4); Likely benign (3). 1 of the submissions does not count toward it. Last evaluated 2026-06-26.

Conditions:
ABCA4-related disorder. Also called: ABCA4-related condition; ABCA4-related disorders. Identifiers: MedGen CN239167.
Retinal dystrophy. Also called: Inherited retinal dystrophy. Identifiers: Orphanet 71862, MedGen C0854723, MeSH D058499, MONDO:0019118, HP:0000556.
Severe early-childhood-onset retinal dystrophy (STGD1). Also called: MACULAR DYSTROPHY WITH FLECKS, TYPE 1; STGD; Stargardt macular dystrophy; Juvenile onset macular degeneration; Stargardt disease 1. Identifiers: Orphanet 364055, Orphanet 827, MedGen C1855465, MeSH D000080362, MONDO:0009549, OMIM 248200.

Allele frequency attached by ClinVar (database versions not stated): gnomAD 0.00469 and 0.00491; TOPMed 0.00554; ESP Exome Variant Server 0.00615; gnomAD exomes 0.00048 and 0.00132; ExAC 0.00162; 1000 Genomes Project 0.00739; 1000 Genomes Project 30x 0.00843.
gnomAD v4.1: 1,446 of 1,614,030 alleles (0.09%); highest among the groups gnomAD compares: African/African-American, 1.7%; 14 homozygotes.

Submissions (11):

Women's Health and Genetics/Laboratory Corporation of America, LabCorp
Classification: Likely benign. Last evaluated: 2026-06-26. Review status: criteria provided, single submitter. Criteria: LabCorp Variant Classification Summary - May 2015. Collection method: clinical testing. Allele origin: germline.

PreventionGenetics, part of Exact Sciences
Classification: Likely benign for ABCA4-related condition. Last evaluated: 2026-06-19. Review status: criteria provided, single submitter. Criteria: ACMG Guidelines, 2015. Collection method: clinical testing. Allele origin: germline.
Comment: This variant is classified as likely benign based on ACMG/AMP sequence variant interpretation guidelines (Richards et al. 2015 PMID: 25741868, with internal and published modifications).

Labcorp Genetics (formerly Invitae), Labcorp
Classification: Benign. Last evaluated: 2026-02-01. Review status: criteria provided, single submitter. Criteria: Invitae Variant Classification Sherloc (09022015). Collection method: clinical testing. Allele origin: germline.

Blueprint Genetics
Classification: Uncertain significance. Last evaluated: 2024-10-09. Review status: criteria provided, single submitter. Criteria: ACMG Guidelines, 2015. Collection method: clinical testing. Allele origin: germline.

CeGaT Center for Human Genetics Tuebingen
Classification: Uncertain significance. Last evaluated: 2023-06-01. Review status: criteria provided, single submitter. Criteria: CeGaT Center For Human Genetics Tuebingen Variant Classification Criteria Version 2. Collection method: clinical testing. Allele origin: germline. Affected: yes. Observed: 1 variant allele.
Comment: ABCA4: PM3:Strong, PM2:Supporting, PP3, BS2

GeneDx
Classification: Benign. Last evaluated: 2020-04-30. Review status: criteria provided, single submitter. Criteria: GeneDx Variant Classification Process June 2021. Collection method: clinical testing. Allele origin: germline. Affected: yes.
Comment: This variant is associated with the following publications: (PMID: 22995991, 24265693, 25066811, 28044389, 25082885, 25097241, 25910913, 11527935, 22328824, 29925512, 32619608)

Mendelics
Classification: Benign for Severe early-childhood-onset retinal dystrophy. Last evaluated: 2019-05-28. Review status: criteria provided, single submitter. Criteria: Mendelics Assertion Criteria 2017. Collection method: clinical testing. Allele origin: unknown.

Institute of Human Genetics, Univ. Regensburg, Univ. Regensburg
Classification: Uncertain significance for Retinal dystrophy. Last evaluated: 2019-01-01. Review status: criteria provided, single submitter. Criteria: ACMG Guidelines, 2015. Collection method: clinical testing. Allele origin: germline. Affected: yes.

Illumina Laboratory Services, Illumina
Classification: Likely benign for ABCA4-Related Disorders. Last evaluated: 2017-04-27. Review status: criteria provided, single submitter. Criteria: ICSL Variant Classification Criteria 13 December 2019. Collection method: clinical testing. Allele origin: germline.
Comment: This variant was observed as part of a predisposition screen in an ostensibly healthy population. A literature search was performed for the gene, cDNA change, and amino acid change (where applicable). No publications were found based on this search. Allele frequency data from public databases allowed determination this variant is unlikely to cause disease. Therefore, this variant is classified as likely benign.

Eurofins Ntd Llc (ga)
Classification: Benign. Last evaluated: 2015-05-13. Review status: criteria provided, single submitter. Criteria: EGL Classification Definitions 2015. Collection method: clinical testing. Allele origin: germline. Observed: 1 variant allele, 1 heterozygote.

Retina International
No classification provided. Review status: no classification provided. Collection method: not provided. Allele origin: not provided. Not counted in ClinVar's aggregate classification.

Literature cited by the submitters: PubMed 11527935 (cited by Institute of Human Genetics, Univ. Regensburg, Univ. Regensburg); PubMed 22995991 (cited by Institute of Human Genetics, Univ. Regensburg, Univ. Regensburg); PubMed 24265693 (cited by Institute of Human Genetics, Univ. Regensburg, Univ. Regensburg); PubMed 25082885 (cited by Institute of Human Genetics, Univ. Regensburg, Univ. Regensburg); PubMed 25097241 (cited by Institute of Human Genetics, Univ. Regensburg, Univ. Regensburg); PubMed 25910913 (cited by Institute of Human Genetics, Univ. Regensburg, Univ. Regensburg); PubMed 29925512 (cited by Institute of Human Genetics, Univ. Regensburg, Univ. Regensburg); PubMed 32619608 (cited by Institute of Human Genetics, Univ. Regensburg, Univ. Regensburg); PubMed 32307445 (cited by Institute of Human Genetics, Univ. Regensburg, Univ. Regensburg); PubMed 34426522 (cited by Institute of Human Genetics, Univ. Regensburg, Univ. Regensburg); PubMed 35119454 (cited by Institute of Human Genetics, Univ. Regensburg, Univ. Regensburg).

NM_000350.3(ABCA4):c.1927G>A (p.Val643Met)

Gene: ABCA4 (ATP binding cassette subfamily A member 4; minus strand). Cytogenetic location: 1p22.1.
Variant type: single nucleotide variant.
Coding change: c.1927G>A on transcript NM_000350.3 (MANE Select); coding-DNA position 1927, G replaced by A.
Protein change: p.Val643Met; replaces valine 643 with methionine.
Molecular consequence: missense variant.
Genome position (GRCh38, 1-based): chr1:94,062,587, C>T on the plus strand (G>A on the coding strand, the complement: ABCA4 is on the minus strand). VCF-style: chr1-94062587-C-T. GRCh37 (hg19) VCF-style: chr1-94528143-C-T.
Other names: c.1927G>A, p.Val643Met (NM_001425324.1); short protein forms V643M.
Identifiers: ClinVar variation 99101 (VCV000099101.53), dbSNP rs61749417, ClinGen allele CA201008.